The following is an entry in ClinVar:

ClinVar aggregate classification (germline): Benign (1 of 4 stars; one submission).

Allele frequency attached by ClinVar (database versions not stated): TOPMed 0.06097; gnomAD 0.06771; gnomAD exomes 0.07539; 1000 Genomes Project 30x 0.10041; 1000 Genomes Project 0.10323.
gnomAD v4.1: 100,703 of 1,350,912 alleles (7.5%); highest among the groups gnomAD compares: East Asian, 16%; 4,842 homozygotes.

Submission:

Unidad de Genómica Garrahan, Hospital de Pediatría Garrahan
Classification: Benign. Last evaluated: 2023-11-12. Review status: criteria provided, single submitter. Criteria: ACMG Guidelines, 2015. Collection method: clinical testing. Allele origin: germline. Affected: no. Observed: 21 variant alleles.
Comment: This variant is classified as Benign based on local population frequency. This variant was detected in 22% of patients studied by a panel of primary immunodeficiencies. Number of patients: 21. Only high quality variants are reported.

NM_005739.4(RASGRP1):c.1684-90T>C

Gene: RASGRP1 (RAS guanyl releasing protein 1; minus strand). Cytogenetic location: 15q14.
Variant type: single nucleotide variant.
Coding change: c.1684-90T>C on transcript NM_005739.4 (MANE Select); 90 bases into the intron before coding-DNA position 1684, T replaced by C.
Molecular consequence: intron variant.
Genome position (GRCh38, 1-based): chr15:38,500,229, A>G on the plus strand (T>C on the coding strand, the complement: RASGRP1 is on the minus strand). VCF-style: chr15-38500229-A-G. GRCh37 (hg19) VCF-style: chr15-38792430-A-G.
Other names: c.1579-90T>C (NM_001306086.2, NM_001128602.2).
Identifiers: ClinVar variation 2628280 (VCV002628280.2), dbSNP rs56254815, ClinGen allele CA15836473.